The following is an entry in ClinVar:

ClinVar aggregate classification (germline): Pathogenic (1 of 4 stars; one submission).

Submission:

GeneDx
Classification: Pathogenic. Last evaluated: 2022-03-31. Review status: criteria provided, single submitter. Criteria: GeneDx Variant Classification Process June 2021. Collection method: clinical testing. Allele origin: germline. Affected: yes.
Comment: Published functional studies demonstrate the K57M variant increases ERK phosphorylation activation and cell cycle progression (Chen et al., 2020); Missense variants in this gene are often considered pathogenic (HGMD); Not observed at significant frequency in large population cohorts (gnomAD); This variant is associated with the following publications: (PMID: 31972311, 25370473, 22753777, 19156172, 26399658, 22177953, 29493581)

NM_002755.4(MAP2K1):c.170A>T (p.Lys57Met)

Gene: MAP2K1 (mitogen-activated protein kinase kinase 1; plus strand). Cytogenetic location: 15q22.31.
Variant type: single nucleotide variant.
Coding change: c.170A>T on transcript NM_002755.4 (MANE Select); coding-DNA position 170, A replaced by T.
Protein change: p.Lys57Met; replaces lysine 57 with methionine.
Molecular consequence: missense variant.
Genome position (GRCh38, 1-based): chr15:66,435,116, A>T. VCF-style: chr15-66435116-A-T. GRCh37 (hg19) VCF-style: chr15-66727454-A-T.
Other names: c.104A>T, p.Lys35Met (NM_001411065.1); short protein forms K35M, K57M.
Identifiers: ClinVar variation 1708637 (VCV001708637.2), dbSNP rs1057519909, ClinGen allele CA392929241.